The following is an entry in ClinVar:

ClinVar aggregate classification (germline): Uncertain significance (1 of 4 stars; one submission).

Allele frequency attached by ClinVar (database versions not stated): gnomAD 0.00001; gnomAD exomes 0.00001; ExAC 0.00002; 1000 Genomes Project 30x 0.00016; 1000 Genomes Project 0.00020.

Submission:

Ambry Genetics
Classification: Uncertain significance. Last evaluated: 2023-02-25. Review status: criteria provided, single submitter. Criteria: Ambry Variant Classification Scheme 2023. Collection method: clinical testing. Allele origin: germline.
Comment: The p.R113W variant (also known as c.337C>T), located in coding exon 1 of the EGLN2 gene, results from a C to T substitution at nucleotide position 337. The arginine at codon 113 is replaced by tryptophan, an amino acid with dissimilar properties. This amino acid position is conserved. In addition, this alteration is predicted to be tolerated by in silico analysis. Since supporting evidence is limited at this time, the clinical significance of this alteration remains unclear.

NM_080732.4(EGLN2):c.337C>T (p.Arg113Trp)

Genes: EGLN2 (egl-9 family hypoxia inducible factor 2; plus strand), RAB4B-EGLN2 (RAB4B-EGLN2 readthrough (NMD candidate); plus strand). Cytogenetic location: 19q13.2.
Variant type: single nucleotide variant.
Coding change: c.337C>T on transcript NM_080732.4 (MANE Select); coding-DNA position 337, C replaced by T.
Protein change: p.Arg113Trp; replaces arginine 113 with tryptophan.
Molecular consequence: missense variant. On other transcripts: non-coding transcript variant (1).
Genome position (GRCh38, 1-based): chr19:40,800,909, C>T. VCF-style: chr19-40800909-C-T. GRCh37 (hg19) VCF-style: chr19-41306814-C-T.
Other names: c.337C>T, p.Arg113Trp (NM_053046.4); short protein forms R113W.
Identifiers: ClinVar variation 2451258 (VCV002451258.2), dbSNP rs540347822, ClinGen allele CA9452192.